The following is an entry in ClinVar:

NM_138773.4(SLC25A46):c.620C>A (p.Ser207Tyr)

Gene: SLC25A46 (solute carrier family 25 member 46; plus strand). Cytogenetic location: 5q22.1.
Variant type: single nucleotide variant.
Coding change: c.620C>A on transcript NM_138773.4 (MANE Select); coding-DNA position 620, C replaced by A.
Protein change: p.Ser207Tyr; replaces serine 207 with tyrosine.
Molecular consequence: missense variant. On other transcripts: non-coding transcript variant (1).
Genome position (GRCh38, 1-based): chr5:110,755,521, C>A. VCF-style: chr5-110755521-C-A. GRCh37 (hg19) VCF-style: chr5-110091221-C-A.
Other names: c.620C>A, p.Ser207Tyr (NM_001303249.3); c.347C>A, p.Ser116Tyr (NM_001303250.3); short protein forms S207Y, S116Y.
Identifiers: ClinVar variation 582200 (VCV000582200.9), dbSNP rs766116322, ClinGen allele CA360695680.
Genomic context (GRCh38, chr5:110,755,521, plus strand): 5'-TTAGGGAGGTTTTACATAAATGGAGTCCTAAACAAATAGGAGAACACCTTCTACTGAAAT[C>A]GTAAGTATCAAAAAATGGCATTTTTATTGGGCATTTTCACTAATTTTTATAGTATTAGAA-3'
Protein context (NP_620128.1, residues 197-217): KQIGEHLLLK[Ser207Tyr]LTYVVAMPFY

ClinVar aggregate classification (germline): Uncertain significance (1 of 4 stars; one submission).

Conditions:
Neuropathy, hereditary motor and sensory, type 6B (HMSN6B). Also called: CHARCOT-MARIE-TOOTH DISEASE, TYPE 6B; NEUROPATHY, HEREDITARY MOTOR AND SENSORY, TYPE VIB, WITH OPTIC ATROPHY; HMSN VIB; Neuropathy, hereditary motor and sensory, type VIB. Identifiers: MedGen C4225302, MONDO:0014671, OMIM 616505.

gnomAD v4.1: 4 of 1,565,236 alleles (0.00026%); highest among the groups gnomAD compares: Non-Finnish European, 0.00035%; no homozygotes.

Submission:

Labcorp Genetics (formerly Invitae), Labcorp
Classification: Uncertain significance for Neuropathy, hereditary motor and sensory, type 6B. Last evaluated: 2021-08-23. Review status: criteria provided, single submitter. Criteria: Invitae Variant Classification Sherloc (09022015). Collection method: clinical testing. Allele origin: germline.
Comment: This sequence change replaces serine with tyrosine at codon 207 of the SLC25A46 protein (p.Ser207Tyr). The serine residue is weakly conserved and there is a large physicochemical difference between serine and tyrosine. This variant is not present in population databases (ExAC no frequency). This variant has not been reported in the literature in individuals with SLC25A46-related disease. Algorithms developed to predict the effect of missense changes on protein structure and function do not agree on the potential impact of this missense change (SIFT: "Deleterious"; PolyPhen-2: "Possibly Damaging"; Align-GVGD: "Class C0"). Algorithms developed to predict the effect of sequence changes on RNA splicing suggest that this variant may disrupt the consensus splice site, but this prediction has not been confirmed by published transcriptional studies. In summary, the available evidence is currently insufficient to determine the role of this variant in disease. Therefore, it has been classified as a Variant of Uncertain Significance.